The following is an entry in ClinVar:

NM_000069.3(CACNA1S):c.4516_4517del (p.Leu1506fs)

Gene: CACNA1S (calcium voltage-gated channel subunit alpha1 S; minus strand). Cytogenetic location: 1q32.1.
Variant type: Deletion.
Coding change: c.4516_4517del on transcript NM_000069.3 (MANE Select); coding-DNA positions 4516 to 4517, 2 bases deleted (TT; older notation c.4516_4517delTT).
Protein change: p.Leu1506fs; shifts the reading frame from leucine 1506.
Molecular consequence: frameshift variant.
Genome position (GRCh38, 1-based): chr1:201,047,551-201,047,552, AA deleted on the plus strand (TT on the coding strand, the reverse complement: CACNA1S is on the minus strand). VCF-style (leftmost placement, unchanged base first): chr1-201047550-CAA-C. GRCh37 (hg19) VCF-style: chr1-201016678-CAA-C.
Other names: short protein forms L1506fs.
Identifiers: ClinVar variation 3376719 (VCV003376719.1).

ClinVar aggregate classification (germline): Pathogenic (1 of 4 stars; one submission).

Conditions:
Congenital myopathy. Identifiers: Orphanet 97245, MedGen C0270960, MONDO:0019952.

Submission:

Victorian Clinical Genetics Services, Murdoch Childrens Research Institute
Classification: Pathogenic for Congenital myopathy. Last evaluated: 2023-07-16. Review status: criteria provided, single submitter. Criteria: ACMG Guidelines, 2015. Collection method: clinical testing. Allele origin: germline. Inheritance: Autosomal recessive inheritance.
Comment: Based on the classification scheme VCGS_Germline_v1.3.4, this variant is classified as Pathogenic. Following criteria are met: 0102 - Loss of function is a known mechanism of disease in this gene and is associated with congenital myopathy (MONDO:0019952), CACNA1S-related (PMID: 28012042) whereas gain of function or dominant negative are suspected mechanism of disease in this gene that are associated with hypokalemic periodic paralysis type 1 (MIM#170400) and malignant hyperthermia susceptibility 5 (MIM#601887). (I) 0108 - This gene is associated with both recessive and dominant disease. Hypokalemic periodic paralysis type 1 (MIM#170400) and malignant hyperthermia susceptibility 5 (MIM#601887) are usually missense variants inherited in a dominant manner, while congenital myopathy associated with loss of function variants is inherited in a recessive manner (PMID: 30499100, 28012042). (I) 0112 - The hypokalemic periodic paralysis associated with this gene has incomplete penetrance (PMID: 34777470). (I) 0201 - Variant is predicted to cause nonsense-mediated decay (NMD) and loss of protein (premature termination codon is located at least 54 nucleotides upstream of the final exon-exon junction). (SP) 0251 - This variant is heterozygous. (I) 0301 - Variant is absent from gnomAD (both v2 and v3). (SP) 0701 - Other NMD predicted variants comparable to the one identified in this case have very strong previous evidence for pathogenicity (ClinVar). (SP) 0807 - This variant has no previous evidence of pathogenicity. (I) 0905 - No published segregation evidence has been identified for this variant. (I) 1007 - No published functional evidence has been identified for this variant. (I) 1208 - Inheritance information for this variant is not currently available in this individual. (I) Legend: (SP) - Supporting pathogenic, (I) - Information, (SB) - Supporting benign

Literature cited by the submitters: PubMed 28012042; PubMed 30499100; PubMed 34777470.